The following is an entry in ClinVar:

NM_014629.4(ARHGEF10):c.-47-7_-47-5del

Genes: ARHGEF10 (Rho guanine nucleotide exchange factor 10; plus strand), LOC126860279 (CDK7 strongly-dependent group 2 enhancer GRCh37_chr8:1791725-1792924; plus strand). Cytogenetic location: 8p23.3.
Variant type: Microsatellite.
Coding change: c.-47-7_-47-5del on transcript NM_014629.4 (MANE Select); 7 bases into the intron before 47 bases upstream of the start codon through 5 bases into the intron before 47 bases upstream of the start codon, 3 bases deleted (CTT; older notation c.-47-7_-47-5delCTT).
Molecular consequence: intron variant.
Genome position (GRCh38, 1-based): chr8:1,843,346-1,843,348, CTT deleted; deleting any 3 consecutive bases within chr8:1,843,343-1,843,348 gives the same sequence; the c. name uses the placement nearest the transcript's 3' end. VCF-style (leftmost placement, unchanged base first): chr8-1843342-CCTT-C. GRCh37 (hg19) VCF-style: chr8-1791508-CCTT-C.
Other names: c.-47-7_-47-5del (NM_001438092.1, NM_001438091.1, NM_001308152.2 and 3 more transcripts); c.-47-7_-47-5delCTT (NM_014629.4).
Identifiers: ClinVar variation 4526135 (VCV004526135.1).

ClinVar aggregate classification (germline): Uncertain significance (1 of 4 stars; one submission).

Submission:

Women's Health and Genetics/Laboratory Corporation of America, LabCorp
Classification: Uncertain significance. Last evaluated: 2025-07-29. Review status: criteria provided, single submitter. Criteria: LabCorp Variant Classification Summary - May 2015. Collection method: clinical testing. Allele origin: germline.
Comment: Variant summary: ARHGEF10 c.-47-7_-47-5delCTT is located in the untranslated mRNA region upstream of the initiation codon. The variant allele was found at a frequency of 7.7e-05 in 246022 control chromosomes. This frequency is not significantly higher than estimated for a pathogenic variant in ARHGEF10 causing Autosomal dominant slowed nerve conduction velocity, allowing no conclusion about variant significance. To our knowledge, no occurrence of c.-47-7_-47-5delCTT in individuals affected with Autosomal dominant slowed nerve conduction velocity and no experimental evidence demonstrating its impact on protein function have been reported. No submitters have cited clinical-significance assessments for this variant to ClinVar. Based on the evidence outlined above, the variant was classified as uncertain significance.